The following is an entry in ClinVar:

ClinVar aggregate classification (germline): Uncertain significance. Review status: criteria provided, multiple submitters, no conflicts (2 of 4 stars). 2 submissions from 2 submitters: Uncertain significance (2). Last evaluated 2024-01-23.

Conditions:
Glycogen storage disease type III (GSD3). Also called: Cori disease; FORBES DISEASE. Identifiers: Orphanet 366, MedGen C0017922, MONDO:0009291, OMIM 232400.
Inborn genetic diseases. Identifiers: MedGen C0950123, MeSH D030342.

gnomAD v4.1: 10 of 1,613,832 alleles (0.00062%); highest among the groups gnomAD compares: African/African-American, 0.013%; no homozygotes.

Submissions (2):

Ambry Genetics
Classification: Uncertain significance for Inborn genetic diseases. Last evaluated: 2024-01-23. Review status: criteria provided, single submitter. Criteria: Ambry Variant Classification Scheme 2023. Collection method: clinical testing. Allele origin: germline.

Labcorp Genetics (formerly Invitae), Labcorp
Classification: Uncertain significance for Glycogen storage disease type III. Last evaluated: 2022-08-07. Review status: criteria provided, single submitter. Criteria: Invitae Variant Classification Sherloc (09022015). Collection method: clinical testing. Allele origin: germline.
Comment: This sequence change replaces valine, which is neutral and non-polar, with leucine, which is neutral and non-polar, at codon 46 of the AGL protein (p.Val46Leu). This variant is present in population databases (no rsID available, gnomAD 0.02%). This variant has not been reported in the literature in individuals affected with AGL-related conditions. Algorithms developed to predict the effect of missense changes on protein structure and function output the following: SIFT: "Tolerated"; PolyPhen-2: "Benign"; Align-GVGD: "Class C0". The leucine amino acid residue is found in multiple mammalian species, which suggests that this missense change does not adversely affect protein function. In summary, the available evidence is currently insufficient to determine the role of this variant in disease. Therefore, it has been classified as a Variant of Uncertain Significance.

NM_000642.3(AGL):c.136G>C (p.Val46Leu)

Gene: AGL (amylo-alpha-1,6-glucosidase and 4-alpha-glucanotransferase; plus strand). Cytogenetic location: 1p21.2.
Variant type: single nucleotide variant.
Coding change: c.136G>C on transcript NM_000642.3 (MANE Select); coding-DNA position 136, G replaced by C.
Protein change: p.Val46Leu; replaces valine 46 with leucine.
Molecular consequence: missense variant.
Genome position (GRCh38, 1-based): chr1:99,861,556, G>C. VCF-style: chr1-99861556-G-C. GRCh37 (hg19) VCF-style: chr1-100327112-G-C.
Other names: c.136G>C, p.Val46Leu (NM_000028.3, NM_000643.3, NM_000644.3 and 5 more transcripts); c.88G>C, p.Val30Leu (NM_000646.3); c.136G>C (NM_000642.2); short protein forms V30L, V46L.
Identifiers: ClinVar variation 2071780 (VCV002071780.2), dbSNP rs762935611, ClinGen allele CA27560501.